The following is an entry in ClinVar:

NM_001379200.1(TBX1):c.772C>T (p.Arg258Cys)

Gene: TBX1 (T-box transcription factor 1; plus strand). Cytogenetic location: 22q11.21.
Variant type: single nucleotide variant.
Coding change: c.772C>T on transcript NM_001379200.1 (MANE Select); coding-DNA position 772, C replaced by T.
Protein change: p.Arg258Cys; replaces arginine 258 with cysteine.
Molecular consequence: missense variant.
Genome position (GRCh38, 1-based): chr22:19,765,018, C>T. VCF-style: chr22-19765018-C-T. GRCh37 (hg19) VCF-style: chr22-19752541-C-T.
Other names: c.745C>T, p.Arg249Cys (NM_005992.1, NM_080646.2, NM_080647.1); short protein forms R258C, R249C.
Identifiers: ClinVar variation 1967986 (VCV001967986.5), dbSNP rs1316113778, ClinGen allele CA410683349.

ClinVar aggregate classification (germline): Uncertain significance (1 of 4 stars; one submission).

Conditions:
DiGeorge syndrome. Also called: THIRD AND FOURTH PHARYNGEAL POUCH SYNDROME; Catch22. Identifiers: Orphanet 567, MedGen C0012236, MONDO:0008564, OMIM 188400.

gnomAD v4.1: 1 of 1,614,178 alleles (0.000062%); highest among the groups gnomAD compares: Non-Finnish European, 0.000085%; no homozygotes.

Submission:

Labcorp Genetics (formerly Invitae), Labcorp
Classification: Uncertain significance for DiGeorge syndrome. Last evaluated: 2024-04-23. Review status: criteria provided, single submitter. Criteria: Invitae Variant Classification Sherloc (09022015). Collection method: clinical testing. Allele origin: germline.
Comment: This sequence change replaces arginine, which is basic and polar, with cysteine, which is neutral and slightly polar, at codon 249 of the TBX1 protein (p.Arg249Cys). This variant is not present in population databases (gnomAD no frequency). This variant has not been reported in the literature in individuals affected with TBX1-related conditions. ClinVar contains an entry for this variant (Variation ID: 1967986). Advanced modeling of protein sequence and biophysical properties (such as structural, functional, and spatial information, amino acid conservation, physicochemical variation, residue mobility, and thermodynamic stability) performed at Invitae indicates that this missense variant is not expected to disrupt TBX1 protein function with a negative predictive value of 80%. In summary, the available evidence is currently insufficient to determine the role of this variant in disease. Therefore, it has been classified as a Variant of Uncertain Significance.